The following is an entry in ClinVar:

ClinVar aggregate classification (germline): Benign. Review status: criteria provided, multiple submitters, no conflicts (2 of 4 stars). 3 submissions from 2 submitters: Benign (3). Last evaluated 2018-01-13.

Conditions:
Senior-Loken syndrome 4 (SLSN4). Identifiers: Orphanet 3156, MedGen C1846979, MONDO:0011756, OMIM 606996.
Nephronophthisis 4 (NPHP4). Also called: NEPHRONOPHTHISIS 4, JUVENILE. Identifiers: Orphanet 655, MedGen C1847013, MONDO:0011752, OMIM 606966.

Allele frequency attached by ClinVar (database versions not stated): gnomAD exomes 0.00291; gnomAD 0.01873 and 0.02020; 1000 Genomes Project 0.01977; TOPMed 0.02110; 1000 Genomes Project 30x 0.02124.
gnomAD v4.1: 3,547 of 390,590 alleles (0.91%); highest among the groups gnomAD compares: African/African-American, 6.4%; 113 homozygotes.

Submissions (3):

Illumina Laboratory Services, Illumina
Classification: Benign for Nephronophthisis 4. Last evaluated: 2018-01-13. Review status: criteria provided, single submitter. Criteria: ICSL Variant Classification Criteria 13 December 2019. Collection method: clinical testing. Allele origin: germline.
Comment: This variant was observed in the ICSL laboratory as part of a predisposition screen in an ostensibly healthy population. It had not been previously curated by ICSL or reported in the Human Gene Mutation Database (HGMD: prior to June 1st, 2018), and was therefore a candidate for classification through an automated scoring system. Utilizing variant allele frequency, disease prevalence and penetrance estimates, and inheritance mode, an automated score was calculated to assess if this variant is too frequent to cause the disease. Based on the score and internal cut-off values, a variant classified as benign is not then subjected to further curation. The score for this variant resulted in a classification of benign for this disease.

Illumina Laboratory Services, Illumina
Classification: Benign for Senior-Loken syndrome 4. Last evaluated: 2018-01-13. Review status: criteria provided, single submitter. Criteria: ICSL Variant Classification Criteria 13 December 2019. Collection method: clinical testing. Allele origin: germline.
Comment: the same text as in the submission from Illumina Laboratory Services, Illumina above.

Breakthrough Genomics
Classification: Benign. Review status: criteria provided, single submitter. Criteria: ACMG Guidelines, 2015. Collection method: not provided. Allele origin: germline. Inheritance: Autosomal recessive inheritance. Affected: yes.

NM_015102.5(NPHP4):c.*314T>G

Gene: NPHP4 (nephrocystin 4; minus strand). Cytogenetic location: 1p36.31.
Variant type: single nucleotide variant.
Coding change: c.*314T>G on transcript NM_015102.5 (MANE Select); 314 bases downstream of the stop codon, T replaced by G.
Molecular consequence: 3 prime UTR variant. On other transcripts: non-coding transcript variant (1).
Genome position (GRCh38, 1-based): chr1:5,862,951, A>C on the plus strand (T>G on the coding strand, the complement: NPHP4 is on the minus strand). VCF-style: chr1-5862951-A-C. GRCh37 (hg19) VCF-style: chr1-5923011-A-C.
Other names: c.*314T>G (NM_001291593.2, NM_001291594.2).
Identifiers: ClinVar variation 297781 (VCV000297781.6), dbSNP rs111874674, ClinGen allele CA10611450.